The following is an entry in ClinVar:

NM_000525.4(KCNJ11):c.67A>G (p.Lys23Glu)

Gene: KCNJ11 (potassium inwardly rectifying channel subfamily J member 11; minus strand). Cytogenetic location: 11p15.1.
Variant type: single nucleotide variant.
Coding change: c.67A>G on transcript NM_000525.4 (MANE Select); coding-DNA position 67, A replaced by G.
Protein change: p.Lys23Glu; replaces lysine 23 with glutamic acid.
Molecular consequence: missense variant. On other transcripts: 5 prime UTR variant (1), intron variant (2).
Genome position (GRCh38, 1-based): chr11:17,388,025, T>C on the plus strand (A>G on the coding strand, the complement: KCNJ11 is on the minus strand). VCF-style: chr11-17388025-T-C. GRCh37 (hg19) VCF-style: chr11-17409572-T-C.
Other names: E23K; c.-24A>G (NM_001377296.1); c.-16-179A>G (NM_001166290.2, NM_001377297.1); short protein forms K23E.
Identifiers: ClinVar variation 8678 (VCV000008678.38), dbSNP rs5219, ClinGen allele CA119831.
Genomic context (GRCh38, chr11:17,388,025, plus strand): 5'-TGCAGTTGCCTTTCTTGGACACAAAGCGGGCCCTCCGCTGGCGGGCACGGTACCTGGGCT[T>C]GGCAGGGTCCTCTGCCAGGCGTGTCAGCACGTATTCCTCGGGGATGATGCCCTTGCGGGA-3'
Protein context (NP_000516.3, residues 13-33): VLTRLAEDPA[Lys23Glu]PRYRARQRRA

ClinVar aggregate classification (germline): Benign/Likely benign. Review status: criteria provided, multiple submitters, no conflicts (2 of 4 stars). 16 submissions from 14 submitters: Benign (8); Likely benign (4). 4 of the submissions do not count toward it. Last evaluated 2026-02-04.

Conditions:
Permanent neonatal diabetes mellitus (PNDM). Identifiers: Orphanet 99885, MedGen C1833104, MONDO:0100164, MONDO:0011643. Disease mechanism: gain of function.
Hyperinsulinemic hypoglycemia, familial, 2. Also called: HYPERINSULINEMIC HYPOGLYCEMIA, PERSISTENT; HYPERINSULINISM, NEONATAL. Identifiers: Orphanet 276580, Orphanet 276603, MedGen C2931833, MONDO:0011153, OMIM 601820. Disease mechanism: loss of function.
Type 2 diabetes mellitus. Also called: Type II diabetes mellitus. Identifiers: MedGen C0011860, MeSH D003924, MONDO:0005148, OMIM 125853, HP:0005978.
Diabetes mellitus type 2, susceptibility to. Identifiers: MedGen C3837967.
Diabetes mellitus, transient neonatal, 3 (TNDM3). Identifiers: Orphanet 99886, MedGen C1864623, MONDO:0012522, OMIM 610582. Disease mechanism: loss of function.
KCNJ11-related disorder. Also called: KCNJ11-related disorders; KCNJ11-related condition.
Maturity-onset diabetes of the young type 13. Also called: MODY, TYPE 13. Identifiers: Orphanet 552, MedGen C4225365, MONDO:0014589, OMIM 616329.

Allele frequency attached by ClinVar (database versions not stated): gnomAD exomes 0.64020 and 0.64173; ExAC 0.64710; gnomAD 0.71593 and 0.72048; TOPMed 0.72968; 1000 Genomes Project 0.73702; 1000 Genomes Project 30x 0.74001.
gnomAD v4.1: 1,047,275 of 1,613,446 alleles (65%); highest among the groups gnomAD compares: African/African-American, 94%; 344,120 homozygotes.

Submissions (16):

Labcorp Genetics (formerly Invitae), Labcorp
Classification: Benign. Last evaluated: 2026-02-04. Review status: criteria provided, single submitter. Criteria: Invitae Variant Classification Sherloc (09022015). Collection method: clinical testing. Allele origin: germline.

Mayo Clinic Laboratories, Mayo Clinic
Classification: Benign. Last evaluated: 2025-04-14. Review status: criteria provided, single submitter. Criteria: ACMG Guidelines, 2015. Collection method: clinical testing. Allele origin: germline. Observed: 1 variant allele.
Comment: BA1, BP4_moderate

Blueprint Genetics
Classification: Benign. Last evaluated: 2024-11-27. Review status: criteria provided, single submitter. Criteria: ACMG Guidelines, 2015. Collection method: clinical testing. Allele origin: germline.

GeneDx
Classification: Benign. Last evaluated: 2018-09-04. Review status: criteria provided, single submitter. Criteria: GeneDx Variant Classification Process June 2021. Collection method: clinical testing. Allele origin: germline. Affected: yes.
Comment: This variant is associated with the following publications: (PMID: 28252621, 15111507, 25625107, 25165692, 24332549, 31118516, 29632382, 28082085, 25725792, 27535653, 25955821, 24996284, 26551672, 27398621, 26315042, 9867219, 24741969, 16733889, 24710510, 22163043, 22209866, 24241377, 22264780, 23054005, 23412854, 19498446, 17823772, 19578796, 19685080, 19214942, 22082043, 19491206, 15855351, 12196481, 20424228, 19587354, 17257281, 16455067, 19233137, 22704848, 18758683)

Athena Diagnostics
Classification: Benign for Hyperinsulinemic hypoglycemia, familial, 2. Last evaluated: 2017-04-28. Review status: criteria provided, single submitter. Criteria: Athena Diagnostics Criteria. Collection method: clinical testing. Allele origin: germline.

Illumina Laboratory Services, Illumina
Classification: Likely benign for Hyperinsulinemic hypoglycemia, familial, 2. Last evaluated: 2017-04-27. Review status: criteria provided, single submitter. Criteria: ICSL Variant Classification Criteria 13 December 2019. Collection method: clinical testing. Allele origin: germline.
Comment: This variant was observed as part of a predisposition screen in an ostensibly healthy population. A literature search was performed for the gene, cDNA change, and amino acid change (where applicable). No publications were found based on this search. Allele frequency data from public databases allowed determination this variant is unlikely to cause disease. Therefore, this variant is classified as likely benign.

Illumina Laboratory Services, Illumina
Classification: Likely benign for Diabetes mellitus, transient neonatal, 3. Last evaluated: 2017-04-27. Review status: criteria provided, single submitter. Criteria: ICSL Variant Classification Criteria 13 December 2019. Collection method: clinical testing. Allele origin: germline.
Comment: the same text as in the submission from Illumina Laboratory Services, Illumina above.

Illumina Laboratory Services, Illumina
Classification: Likely benign for Maturity-onset diabetes of the young type 13. Last evaluated: 2017-04-27. Review status: criteria provided, single submitter. Criteria: ICSL Variant Classification Criteria 13 December 2019. Collection method: clinical testing. Allele origin: germline.
Comment: the same text as in the submission from Illumina Laboratory Services, Illumina above.

Eurofins Ntd Llc (ga)
Classification: Benign. Last evaluated: 2014-11-26. Review status: criteria provided, single submitter. Criteria: EGL Classification Definitions 2015. Collection method: clinical testing. Allele origin: germline. Observed: 3 variant alleles, 3 homozygotes.

Genetic Services Laboratory, University of Chicago
Classification: Benign. Last evaluated: 2013-02-08. Review status: criteria provided, single submitter. Criteria: ACMG Guidelines, 2007. Collection method: clinical testing. Allele origin: germline. Inheritance: Autosomal unknown.

Breakthrough Genomics
Classification: Likely benign. Review status: criteria provided, single submitter. Criteria: ACMG Guidelines, 2015. Collection method: not provided. Allele origin: germline. Inheritance: Autosomal recessive inheritance. Affected: yes.

Clinical Genomics, Uppaluri K&H Personalized Medicine Clinic
Classification: Benign for Type 2 diabetes mellitus. Review status: criteria provided, single submitter. Criteria: K&H Uppaluri Personalized Medicine Clinic Variant Classification & Assertion Criteria. Collection method: research. Allele origin: somatic. Inheritance: Autosomal dominant inheritance. Affected: yes.
Comment: Mutations in KCNJ11 gene can cause decreased production and secretion of insulin. This can lead to MODY which is responsive to oral sulfonylureas. KCNJ11 rs5219- E23K is associated with Type II Diabetes Mellitus. It doesnt cause any sensitivity towards mild hypoglycemia, an adverse effect of Sulfonylurea treatment.

PreventionGenetics, part of Exact Sciences
Classification: Benign for KCNJ11-related condition. Last evaluated: 2024-04-15. Review status: no assertion criteria provided. Collection method: clinical testing. Allele origin: germline. Not counted in ClinVar's aggregate classification.
Comment: This variant is classified as benign based on ACMG/AMP sequence variant interpretation guidelines (Richards et al. 2015 PMID: 25741868, with internal and published modifications).

Natera, Inc.
Classification: Benign for Permanent neonatal diabetes mellitus. Last evaluated: 2020-09-16. Review status: no assertion criteria provided. Collection method: clinical testing. Allele origin: germline. Not counted in ClinVar's aggregate classification.

OMIM
Classification: Benign for RECLASSIFIED - KCNJ11 POLYMORPHISM. Last evaluated: 2009-12-01. Review status: no assertion criteria provided. Collection method: literature only. Allele origin: germline. Not counted in ClinVar's aggregate classification.

GeneReviews
No classification provided. Condition: Permanent neonatal diabetes mellitus. Review status: no classification provided. Collection method: literature only. Allele origin: unknown. Not counted in ClinVar's aggregate classification.

Literature cited by the submitters: PubMed 9867219 (cited by 3 submitters); PubMed 12196481 (cited by Athena Diagnostics); PubMed 15855351 (cited by Athena Diagnostics); PubMed 16455067 (cited by Athena Diagnostics); PubMed 17257281 (cited by Athena Diagnostics); PubMed 17823772 (cited by Athena Diagnostics); PubMed 18758683 (cited by Athena Diagnostics); PubMed 19214942 (cited by Athena Diagnostics); PubMed 19233137 (cited by Athena Diagnostics); PubMed 19491206 (cited by Athena Diagnostics); PubMed 19498446 (cited by Athena Diagnostics); PubMed 19578796 (cited by Athena Diagnostics); PubMed 19587354 (cited by Athena Diagnostics); PubMed 19685080 (cited by Athena Diagnostics and OMIM); PubMed 20424228 (cited by Athena Diagnostics); PubMed 22082043 (cited by Athena Diagnostics); PubMed 22163043 (cited by Athena Diagnostics); PubMed 22209866 (cited by Athena Diagnostics); PubMed 22264780 (cited by Athena Diagnostics); PubMed 22704848 (cited by Athena Diagnostics); PubMed 11872696 (cited by Athena Diagnostics); PubMed 12475776 (cited by Athena Diagnostics); PubMed 22591706 (cited by Clinical Genomics, Uppaluri K&H Personalized Medicine Clinic); PubMed 29893194 (cited by Clinical Genomics, Uppaluri K&H Personalized Medicine Clinic); Hamosh, A. Personal Communication. 2024. Baltimore, Md. (cited by OMIM); PubMed 15797964 (cited by OMIM and GeneReviews); PubMed 15579791 (cited by OMIM and GeneReviews); PubMed 17463246 (cited by OMIM and GeneReviews); PubMed 17463249 (cited by OMIM and GeneReviews); PubMed 17463248 (cited by OMIM and GeneReviews); PubMed 11318841 (cited by GeneReviews); PubMed 11692183 (cited by GeneReviews); PubMed 12540637 (cited by GeneReviews); PubMed 12540638 (cited by GeneReviews); PubMed 15111507 (cited by GeneReviews); PubMed 20301620 (cited by GeneReviews); NCBI Bookshelf NBK1447 (cited by GeneReviews).